The following is an entry in ClinVar:

ClinVar aggregate classification (germline): Pathogenic (1 of 4 stars; one submission).

Conditions:
Anauxetic dysplasia. Identifiers: Orphanet 93347, MedGen C1846796, MONDO:0011773.

Submission:

Labcorp Genetics (formerly Invitae), Labcorp
Classification: Pathogenic for Anauxetic dysplasia. Last evaluated: 2022-08-19. Review status: criteria provided, single submitter. Criteria: Invitae Variant Classification Sherloc (09022015). Collection method: clinical testing. Allele origin: germline.
Comment: For these reasons, this variant has been classified as Pathogenic. While functional studies for this variant have not been reported, experimental analyses using patient derived cells, as well as in vitro transfection studies, have shown that promoter insertions result in silencing of RMRP transcription and reduced expression of the gene product (PMID: 11207361, 16254002). While this particular variant has not been reported in the literature, it is located in the promoter region between the TATA box and the transcription initiation site, and other insertions and duplications immediately upstream of the coding sequence have been reported in individuals affected with cartilage-hair hypoplasia-anauxetic dysplasia (CHH-AD) spectrum disorders (PMID: 16244706, 11207361, 12107819). This variant is not present in population databases (gnomAD no frequency). This variant occurs in the RMRP gene, which encodes an RNA molecule that does not result in a protein product.

Literature cited by the submitters: PubMed 11207361; PubMed 16254002; PubMed 16244706; PubMed 12107819.

NC_000009.12:g.35658036_35658044dup

Gene: RMRP (RNA component of mitochondrial RNA processing endoribonuclease; minus strand). Cytogenetic location: 9p13.3.
Variant type: Duplication.
Genome position: GRCh38 VCF-style: chr9-35658035-A-AGAGTAGTAT. GRCh37 (hg19) VCF-style: chr9-35658032-A-AGAGTAGTAT.
Identifiers: ClinVar variation 1420154 (VCV001420154.8), dbSNP rs2131810342, ClinGen allele CA2573144663.